The following is an entry in ClinVar:

NM_001572.5(IRF7):c.395-10_395-8del

Gene: IRF7 (interferon regulatory factor 7; minus strand). Cytogenetic location: 11p15.5.
Variant type: Deletion.
Coding change: c.395-10_395-8del on transcript NM_001572.5 (MANE Select); 10 bases into the intron before coding-DNA position 395 through 8 bases into the intron before coding-DNA position 395, 3 bases deleted (TCT; older notation c.395-10_395-8delTCT).
Molecular consequence: intron variant.
Genome position (GRCh38, 1-based): chr11:614,542-614,544, AGA deleted on the plus strand (TCT on the coding strand, the reverse complement: IRF7 is on the minus strand); deleting any 3 consecutive bases within chr11:614,542-614,545 gives the same sequence; the c. name uses the placement nearest the transcript's 3' end. VCF-style (leftmost placement, unchanged base first): chr11-614541-GAGA-G. GRCh37 (hg19) VCF-style: chr11-614541-GAGA-G.
Other names: c.395-10_395-8del (NM_004029.4); c.434-10_434-8del (NM_004031.4).
Identifiers: ClinVar variation 1422574 (VCV001422574.8), dbSNP rs1856703379, ClinGen allele CA1947204880.

ClinVar aggregate classification (germline): Uncertain significance (1 of 4 stars; one submission).

Conditions:
Immunodeficiency 39 (IMD39). Identifiers: Orphanet 574918, MedGen C4225358, MONDO:0014597, OMIM 616345.

Submission:

Labcorp Genetics (formerly Invitae), Labcorp
Classification: Uncertain significance for Immunodeficiency 39. Last evaluated: 2021-02-09. Review status: criteria provided, single submitter. Criteria: Invitae Variant Classification Sherloc (09022015). Collection method: clinical testing. Allele origin: germline.
Comment: In summary, the available evidence is currently insufficient to determine the role of this variant in disease. Therefore, it has been classified as a Variant of Uncertain Significance. Algorithms developed to predict the effect of sequence changes on RNA splicing suggest that this variant may disrupt the consensus splice site, but this prediction has not been confirmed by published transcriptional studies. This variant has not been reported in the literature in individuals with IRF7-related conditions. This variant is not present in population databases (ExAC no frequency). This sequence change falls in intron 2 of the IRF7 gene. It does not directly change the encoded amino acid sequence of the IRF7 protein.